The following is an entry in ClinVar:

ClinVar aggregate classification (germline): Uncertain significance. Review status: criteria provided, multiple submitters, no conflicts (2 of 4 stars). 2 submissions from 2 submitters: Uncertain significance (2). Last evaluated 2024-11-20.

Conditions:
Hereditary cancer-predisposing syndrome. Also called: Hereditary neoplastic syndrome; Hereditary Cancer Syndrome; Tumor predisposition; Neoplastic Syndromes, Hereditary. Identifiers: Orphanet 140162, MedGen C0027672, MeSH D009386, MONDO:0015356.
Haddad syndrome (OHD). Also called: Ondine-Hirschsprung disease. Identifiers: Orphanet 99803, MedGen C1859049, MONDO:0020493.

Allele frequency attached by ClinVar (database versions not stated): gnomAD exomes below 0.00001.
gnomAD v4.1: 7 of 1,614,128 alleles (0.00043%); highest among the groups gnomAD compares: Non-Finnish European, 0.00059%; no homozygotes.

Submissions (2):

Ambry Genetics
Classification: Uncertain significance for Hereditary cancer-predisposing syndrome. Last evaluated: 2024-11-20. Review status: criteria provided, single submitter. Criteria: Ambry Variant Classification Scheme 2023. Collection method: clinical testing. Allele origin: germline.
Comment: The p.T69N variant (also known as c.206C>A), located in coding exon 1 of the PHOX2B gene, results from a C to A substitution at nucleotide position 206. The threonine at codon 69 is replaced by asparagine, an amino acid with similar properties. This amino acid position is well conserved in available vertebrate species. In addition, this alteration is predicted to be tolerated by in silico analysis. Based on the available evidence, the clinical significance of this variant remains unclear.

Labcorp Genetics (formerly Invitae), Labcorp
Classification: Uncertain significance for Haddad syndrome. Last evaluated: 2021-07-28. Review status: criteria provided, single submitter. Criteria: Invitae Variant Classification Sherloc (09022015). Collection method: clinical testing. Allele origin: germline.
Comment: This variant has not been reported in the literature in individuals affected with PHOX2B-related conditions. In summary, the available evidence is currently insufficient to determine the role of this variant in disease. Therefore, it has been classified as a Variant of Uncertain Significance. Algorithms developed to predict the effect of missense changes on protein structure and function are either unavailable or do not agree on the potential impact of this missense change (SIFT: "Deleterious"; PolyPhen-2: "Possibly Damaging"; Align-GVGD: "Class C0"). This variant is not present in population databases (ExAC no frequency). This sequence change replaces threonine with asparagine at codon 69 of the PHOX2B protein (p.Thr69Asn). The threonine residue is highly conserved and there is a small physicochemical difference between threonine and asparagine.

NM_003924.4(PHOX2B):c.206C>A (p.Thr69Asn)

Genes: PHOX2B (paired like homeobox 2B; minus strand), PHOX2B-AS1 (PHOX2B antisense RNA 1; plus strand). Cytogenetic location: 4p13.
Variant type: single nucleotide variant.
Coding change: c.206C>A on transcript NM_003924.4 (MANE Select); coding-DNA position 206, C replaced by A.
Protein change: p.Thr69Asn; replaces threonine 69 with asparagine.
Molecular consequence: missense variant.
Genome position (GRCh38, 1-based): chr4:41,748,405, G>T on the plus strand (C>A on the coding strand, the complement: PHOX2B is on the minus strand). VCF-style: chr4-41748405-G-T. GRCh37 (hg19) VCF-style: chr4-41750422-G-T.
Other names: c.206C>A (NM_003924.3); short protein forms T69N.
Identifiers: ClinVar variation 1521927 (VCV001521927.7), dbSNP rs1339095355, ClinGen allele CA356740856.